The following is an entry in ClinVar:

NM_001379291.1(BRD4):c.1775A>G (p.Lys592Arg)

Gene: BRD4 (bromodomain containing 4; minus strand). Cytogenetic location: 19p13.12.
Variant type: single nucleotide variant.
Coding change: c.1775A>G on transcript NM_001379291.1 (MANE Select); coding-DNA position 1775, A replaced by G.
Protein change: p.Lys592Arg; replaces lysine 592 with arginine.
Molecular consequence: missense variant.
Genome position (GRCh38, 1-based): chr19:15,255,569, T>C on the plus strand (A>G on the coding strand, the complement: BRD4 is on the minus strand). VCF-style: chr19-15255569-T-C. GRCh37 (hg19) VCF-style: chr19-15366380-T-C.
Other names: c.1775A>G, p.Lys592Arg (NM_001330384.2, NM_001379292.1, NM_014299.3 and 1 more transcripts); short protein forms K592R.
Identifiers: ClinVar variation 2649483 (VCV002649483.24), dbSNP rs928579298, ClinGen allele CA305800622.
Genomic context (GRCh38, chr19:15,255,569, plus strand): 5'-TAGGACATAGGCTTGCACTTGTCCTCTTCCTCCGACTCATACGTGGGAGGGGGCTTGCTC[T>C]TCATGGGCGCTGGCTCCTTCTTGCTACGAAGGGACGATGCAGACACCATCAAGAACGGGC-3'
Protein context (NP_001366220.1, residues 582-602): NVSKKEPAPM[Lys592Arg]SKPPPTYESE

ClinVar aggregate classification (germline): Uncertain significance (1 of 4 stars; one submission).

Allele frequency attached by ClinVar (database versions not stated): gnomAD exomes below 0.00001.
gnomAD v4.1: 10 of 1,607,922 alleles (0.00062%); highest among the groups gnomAD compares: Middle Eastern, 0.017%; no homozygotes.

Submission:

CeGaT Center for Human Genetics Tuebingen
Classification: Uncertain significance. Last evaluated: 2022-05-01. Review status: criteria provided, single submitter. Criteria: CeGaT Center For Human Genetics Tuebingen Variant Classification Criteria Version 2. Collection method: clinical testing. Allele origin: germline. Affected: yes. Observed: 1 variant allele.
Comment: BRD4: PP2, BP4